The following is an entry in ClinVar:

NM_001371986.1(UNC80):c.1112C>T (p.Pro371Leu)

Gene: UNC80 (unc-80 subunit of NALCN channel complex; plus strand). Cytogenetic location: 2q34.
Variant type: single nucleotide variant.
Coding change: c.1112C>T on transcript NM_001371986.1 (MANE Select); coding-DNA position 1112, C replaced by T.
Protein change: p.Pro371Leu; replaces proline 371 with leucine.
Molecular consequence: missense variant.
Genome position (GRCh38, 1-based): chr2:209,813,753, C>T. VCF-style: chr2-209813753-C-T. GRCh37 (hg19) VCF-style: chr2-210678477-C-T.
Other names: c.1112C>T, p.Pro371Leu (NM_032504.2, NM_182587.4); c.1112C>T (NM_032504.1); short protein forms P371L.
Identifiers: ClinVar variation 809145 (VCV000809145.49), dbSNP rs554862246, ClinGen allele CA2082900.

ClinVar aggregate classification (germline): Uncertain significance. Review status: criteria provided, multiple submitters, no conflicts (2 of 4 stars). 4 submissions from 4 submitters: Uncertain significance (4). Last evaluated 2024-07-02.

Conditions:
Hypotonia, infantile, with psychomotor retardation and characteristic facies 2 (IHPRF2). Also called: UNC80 Deficiency. Identifiers: Orphanet 371364, Orphanet 700333, MedGen C4225203, MONDO:0014777, OMIM 616801.
Inborn genetic diseases. Identifiers: MedGen C0950123, MeSH D030342.

Allele frequency attached by ClinVar (database versions not stated): gnomAD 0.00004 and 0.00006; TOPMed 0.00008; gnomAD exomes 0.00011; ExAC 0.00014; 1000 Genomes Project 30x 0.00016; 1000 Genomes Project 0.00020.
gnomAD v4.1: 121 of 1,551,864 alleles (0.0078%); highest among the groups gnomAD compares: Middle Eastern, 0.067%; no homozygotes.

Submissions (4):

Ambry Genetics
Classification: Uncertain significance for Inborn genetic diseases. Last evaluated: 2024-07-02. Review status: criteria provided, single submitter. Criteria: Ambry Variant Classification Scheme 2023. Collection method: clinical testing. Allele origin: germline.

Labcorp Genetics (formerly Invitae), Labcorp
Classification: Uncertain significance. Last evaluated: 2022-10-17. Review status: criteria provided, single submitter. Criteria: Invitae Variant Classification Sherloc (09022015). Collection method: clinical testing. Allele origin: germline.
Comment: This sequence change replaces proline, which is neutral and non-polar, with leucine, which is neutral and non-polar, at codon 371 of the UNC80 protein (p.Pro371Leu). This variant is present in population databases (rs554862246, gnomAD 0.06%). This variant has not been reported in the literature in individuals affected with UNC80-related conditions. ClinVar contains an entry for this variant (Variation ID: 809145). Algorithms developed to predict the effect of missense changes on protein structure and function are either unavailable or do not agree on the potential impact of this missense change (SIFT: "Not Available"; PolyPhen-2: "Benign"; Align-GVGD: "Not Available"). In summary, the available evidence is currently insufficient to determine the role of this variant in disease. Therefore, it has been classified as a Variant of Uncertain Significance.

Revvity Omics, Revvity
Classification: Uncertain significance for Hypotonia, infantile, with psychomotor retardation and characteristic facies 2. Last evaluated: 2020-09-18. Review status: criteria provided, single submitter. Criteria: ACMG Guidelines, 2015. Collection method: clinical testing. Allele origin: germline.

CeGaT Center for Human Genetics Tuebingen
Classification: Uncertain significance. Last evaluated: 2018-12-01. Review status: criteria provided, single submitter. Criteria: CeGaT Center For Human Genetics Tuebingen Variant Classification Criteria Version 2. Collection method: clinical testing. Allele origin: germline. Affected: yes. Observed: 1 variant allele.